The following is an entry in ClinVar:

ClinVar aggregate classification (germline): Uncertain significance (0 of 4 stars; one submission).

Conditions:
BBS2-related disorder. Also called: BBS2-related disorders; BBS2-related condition. Identifiers: MedGen CN239228.

Submission:

PreventionGenetics, part of Exact Sciences
Classification: Uncertain significance for BBS2-related condition. Last evaluated: 2024-09-16. Review status: no assertion criteria provided. Collection method: clinical testing. Allele origin: germline.
Comment: The BBS2 c.1048C>G variant is predicted to result in the amino acid substitution p.Leu350Val. To our knowledge, this variant has not been reported in the literature. This variant is reported in 0.0062% of alleles in individuals of African descent in gnomAD. At this time, the clinical significance of this variant is uncertain due to the absence of conclusive functional and genetic evidence.

NM_031885.5(BBS2):c.1048C>G (p.Leu350Val)

Gene: BBS2 (Bardet-Biedl syndrome 2; minus strand). Cytogenetic location: 16q13.
Variant type: single nucleotide variant.
Coding change: c.1048C>G on transcript NM_031885.5 (MANE Select); coding-DNA position 1048, C replaced by G.
Protein change: p.Leu350Val; replaces leucine 350 with valine.
Molecular consequence: missense variant. On other transcripts: non-coding transcript variant (5).
Genome position (GRCh38, 1-based): chr16:56,502,349, G>C on the plus strand (C>G on the coding strand, the complement: BBS2 is on the minus strand). VCF-style: chr16-56502349-G-C. GRCh37 (hg19) VCF-style: chr16-56536261-G-C.
Other names: c.1048C>G, p.Leu350Val (NM_001377456.1); short protein forms L350V.
Identifiers: ClinVar variation 3352495 (VCV003352495.1).